The following is an entry in ClinVar:

ClinVar aggregate classification (germline): Uncertain significance. Review status: criteria provided, multiple submitters, no conflicts (2 of 4 stars). 2 submissions from 2 submitters: Uncertain significance (2). Last evaluated 2026-01-23.

Conditions:
Koolen-de Vries syndrome (KDVS). Identifiers: Orphanet 96169, MedGen C1864871, MONDO:0012496, OMIM 610443.

Allele frequency attached by ClinVar (database versions not stated): gnomAD exomes 0.00001 and 0.00002; ExAC 0.00002.
gnomAD v4.1: 5 of 1,614,176 alleles (0.00031%); highest among the groups gnomAD compares: Admixed American, 0.0083%; no homozygotes.

Submissions (2):

Labcorp Genetics (formerly Invitae), Labcorp
Classification: Uncertain significance for Koolen-de Vries syndrome. Last evaluated: 2026-01-23. Review status: criteria provided, single submitter. Criteria: Invitae Variant Classification Sherloc (09022015). Collection method: clinical testing. Allele origin: germline.
Comment: This sequence change replaces glutamine, which is neutral and polar, with arginine, which is basic and polar, at codon 896 of the KANSL1 protein (p.Gln896Arg). This variant is present in population databases (rs774020325, gnomAD 0.01%). This variant has not been reported in the literature in individuals affected with KANSL1-related conditions. ClinVar contains an entry for this variant (Variation ID: 1415155). Invitae Evidence Modeling of protein sequence and biophysical properties (such as structural, functional, and spatial information, amino acid conservation, physicochemical variation, residue mobility, and thermodynamic stability) indicates that this missense variant is not expected to disrupt KANSL1 protein function with a negative predictive value of 80%. In summary, the available evidence is currently insufficient to determine the role of this variant in disease. Therefore, it has been classified as a Variant of Uncertain Significance.

Fulgent Genetics
Classification: Uncertain significance for Koolen-de Vries syndrome. Last evaluated: 2024-03-22. Review status: criteria provided, single submitter. Criteria: ACMG Guidelines, 2015. Collection method: clinical testing. Allele origin: germline.

NM_015443.4(KANSL1):c.2687A>G (p.Gln896Arg)

Gene: KANSL1 (KAT8 regulatory NSL complex subunit 1). Cytogenetic location: 17q21.31.
Variant type: single nucleotide variant.
Coding change: c.2687A>G on transcript NM_015443.4 (MANE Select); coding-DNA position 2687, A replaced by G.
Protein change: p.Gln896Arg; replaces glutamine 896 with arginine.
Molecular consequence: missense variant.
Genome position (GRCh38, 1-based): chr17:46,033,440, T>C on the plus strand (A>G on the coding strand, the complement: KANSL1 is on the minus strand). VCF-style: chr17-46033440-T-C. GRCh37 (hg19) VCF-style: chr17-44110806-T-C.
Other names: c.2684A>G, p.Gln895Arg (NM_001193465.2); c.2687A>G, p.Gln896Arg (NM_001193466.2, NM_001379198.1); short protein forms Q896R, Q895R.
Identifiers: ClinVar variation 1415155 (VCV001415155.10), dbSNP rs774020325, ClinGen allele CA8618493.